The following is an entry in ClinVar:

ClinVar aggregate classification (germline): Likely benign. Review status: criteria provided, multiple submitters, no conflicts (2 of 4 stars). 2 submissions from 2 submitters: Likely benign (2). Last evaluated 2025-08-03.

Conditions:
Hypertrophic cardiomyopathy. Also called: HYPERTROPHIC MYOCARDIOPATHY. Identifiers: Orphanet 217569, MedGen C0007194, MeSH D002312, MONDO:0005045, HP:0001639.

Allele frequency attached by ClinVar (database versions not stated): TOPMed 0.00003; gnomAD 0.00004 and 0.00008; gnomAD exomes 0.00007 and 0.00014; ExAC 0.00025; 1000 Genomes Project 30x 0.00031; 1000 Genomes Project 0.00040.
gnomAD v4.1: 110 of 1,600,032 alleles (0.0069%); highest among the groups gnomAD compares: East Asian, 0.22%; no homozygotes.

Submissions (2):

Labcorp Genetics (formerly Invitae), Labcorp
Classification: Likely benign for Hypertrophic cardiomyopathy. Last evaluated: 2025-08-03. Review status: criteria provided, single submitter. Criteria: Invitae Variant Classification Sherloc (09022015). Collection method: clinical testing. Allele origin: germline.

Laboratory for Molecular Medicine, Mass General Brigham Personalized Medicine
Classification: Likely benign. Last evaluated: 2015-03-27. Review status: criteria provided, single submitter. Criteria: LMM Criteria. Collection method: clinical testing. Allele origin: germline. Observed: 1 variant allele.
Comment: p.Phe1558Leu in exon 35 of MYOM1: This variant is not expected to have clinical significance because it has been identified in 0.3% (17/4930) of East Asian chro mosomes by the Exome Aggregation Consortium (ExAC, g; dbSNP rs187108957).

NM_003803.4(MYOM1):c.4672T>C (p.Phe1558Leu)

Gene: MYOM1 (myomesin 1; minus strand). Cytogenetic location: 18p11.31.
Variant type: single nucleotide variant.
Coding change: c.4672T>C on transcript NM_003803.4 (MANE Select); coding-DNA position 4672, T replaced by C.
Protein change: p.Phe1558Leu; replaces phenylalanine 1558 with leucine.
Molecular consequence: missense variant.
Genome position (GRCh38, 1-based): chr18:3,075,738, A>G on the plus strand (T>C on the coding strand, the complement: MYOM1 is on the minus strand). VCF-style: chr18-3075738-A-G. GRCh37 (hg19) VCF-style: chr18-3075736-A-G.
Other names: c.4384T>C, p.Phe1462Leu (NM_019856.2); short protein forms F1558L, F1462L.
Identifiers: ClinVar variation 227703 (VCV000227703.16), dbSNP rs187108957, ClinGen allele CA8873869.